The following is an entry in ClinVar:

NM_024996.7(GFM1):c.2071-1G>C

Gene: GFM1 (G elongation factor mitochondrial 1; plus strand). Cytogenetic location: 3q25.32.
Variant type: single nucleotide variant.
Coding change: c.2071-1G>C on transcript NM_024996.7 (MANE Select); the canonical splice acceptor site of the intron before coding-DNA position 2071, G replaced by C.
Molecular consequence: splice acceptor variant. On other transcripts: intron variant (1).
Genome position (GRCh38, 1-based): chr3:158,691,138, G>C. VCF-style: chr3-158691138-G-C. GRCh37 (hg19) VCF-style: chr3-158408927-G-C.
Other names: c.2128-1G>C (NM_001308164.2); c.1846-1G>C (NM_001374357.1); c.1990-1G>C (NM_001374355.1); c.1954-1G>C (NM_001374356.1); c.1504-1G>C (NM_001374359.1); c.1504-198G>C (NM_001374360.1); c.1387-1G>C (NM_001374361.1); c.1612-1G>C (NM_001374358.1).
Identifiers: ClinVar variation 2838127 (VCV002838127.3), dbSNP rs2473068029, ClinGen allele CA355182869.

ClinVar aggregate classification (germline): Likely pathogenic (1 of 4 stars; one submission).

Allele frequency attached by ClinVar (database versions not stated): gnomAD exomes below 0.00001.
gnomAD v4.1: 3 of 1,606,356 alleles (0.00019%); highest among the groups gnomAD compares: Non-Finnish European, 0.00026%; no homozygotes.

Submission:

Labcorp Genetics (formerly Invitae), Labcorp
Classification: Likely pathogenic. Last evaluated: 2023-02-16. Review status: criteria provided, single submitter. Criteria: Invitae Variant Classification Sherloc (09022015). Collection method: clinical testing. Allele origin: germline.
Comment: This sequence change affects an acceptor splice site in intron 16 of the GFM1 gene. It is expected to disrupt RNA splicing. Variants that disrupt the donor or acceptor splice site typically lead to a loss of protein function (PMID: 16199547), and loss-of-function variants in GFM1 are known to be pathogenic (PMID: 16632485, 17160893). This variant has not been reported in the literature in individuals affected with GFM1-related conditions. Algorithms developed to predict the effect of sequence changes on RNA splicing suggest that this variant may disrupt the consensus splice site. In summary, the currently available evidence indicates that the variant is pathogenic, but additional data are needed to prove that conclusively. Therefore, this variant has been classified as Likely Pathogenic. This variant is not present in population databases (gnomAD no frequency).

Literature cited by the submitters: PubMed 16199547; PubMed 16632485; PubMed 17160893.